The following is an entry in ClinVar:

NM_000222.3(KIT):c.1646A>G (p.Gln549Arg)

Gene: KIT (KIT proto-oncogene, receptor tyrosine kinase; plus strand). Cytogenetic location: 4q12.
Variant type: single nucleotide variant.
Coding change: c.1646A>G on transcript NM_000222.3 (MANE Select); coding-DNA position 1646, A replaced by G.
Protein change: p.Gln549Arg; replaces glutamine 549 with arginine.
Molecular consequence: missense variant.
Genome position (GRCh38, 1-based): chr4:54,727,323, A>G. VCF-style: chr4-54727323-A-G. GRCh37 (hg19) VCF-style: chr4-55593489-A-G.
Other names: c.1634A>G, p.Gln545Arg (NM_001093772.2, NM_001385286.1); c.1649A>G, p.Gln550Arg (NM_001385284.1, NM_001385290.1); c.1646A>G, p.Gln549Arg (NM_001385285.1); c.1637A>G, p.Gln546Arg (NM_001385288.1, NM_001385292.1); short protein forms Q550R, Q545R, Q546R, Q549R.
Identifiers: ClinVar variation 4645148 (VCV004645148.1).

ClinVar aggregate classification (germline): Uncertain significance (1 of 4 stars; one submission).

Conditions:
Hereditary cancer-predisposing syndrome. Also called: Neoplastic Syndromes, Hereditary; Tumor predisposition; Hereditary Cancer Syndrome; Hereditary neoplastic syndrome. Identifiers: Orphanet 140162, MedGen C0027672, MeSH D009386, MONDO:0015356.

Submission:

Ambry Genetics
Classification: Uncertain significance for Hereditary cancer-predisposing syndrome. Last evaluated: 2025-11-06. Review status: criteria provided, single submitter. Criteria: Ambry Variant Classification Scheme 2023. Collection method: clinical testing. Allele origin: germline.
Comment: The p.Q549R variant (also known as c.1646A>G), located in coding exon 10 of the KIT gene, results from an A to G substitution at nucleotide position 1646. The glutamine at codon 549 is replaced by arginine, an amino acid with highly similar properties. This amino acid position is highly conserved in available vertebrate species. In addition, the in silico prediction for this alteration is inconclusive. Based on the available evidence, the clinical significance of this variant remains unclear.